The following is an entry in ClinVar:

ClinVar aggregate classification (germline): Uncertain significance (1 of 4 stars; one submission).

Conditions:
Glycogen storage disease type III (GSD3). Also called: FORBES DISEASE; Cori disease. Identifiers: Orphanet 366, MedGen C0017922, MONDO:0009291, OMIM 232400.

gnomAD v4.1: 1 of 1,614,060 alleles (0.000062%); highest among the groups gnomAD compares: Non-Finnish European, 0.000085%; no homozygotes.

Submission:

Labcorp Genetics (formerly Invitae), Labcorp
Classification: Uncertain significance for Glycogen storage disease type III. Last evaluated: 2024-07-20. Review status: criteria provided, single submitter. Criteria: Invitae Variant Classification Sherloc (09022015). Collection method: clinical testing. Allele origin: germline.
Comment: This sequence change replaces histidine, which is basic and polar, with glutamine, which is neutral and polar, at codon 735 of the AGL protein (p.His735Gln). This variant is present in population databases (rs769218837, gnomAD 0.0009%). This variant has not been reported in the literature in individuals affected with AGL-related conditions. Advanced modeling of protein sequence and biophysical properties (such as structural, functional, and spatial information, amino acid conservation, physicochemical variation, residue mobility, and thermodynamic stability) has been performed at Invitae for this missense variant, however the output from this modeling did not meet the statistical confidence thresholds required to predict the impact of this variant on AGL protein function. In summary, the available evidence is currently insufficient to determine the role of this variant in disease. Therefore, it has been classified as a Variant of Uncertain Significance.

NM_000642.3(AGL):c.2205C>G (p.His735Gln)

Gene: AGL (amylo-alpha-1,6-glucosidase and 4-alpha-glucanotransferase; plus strand). Cytogenetic location: 1p21.2.
Variant type: single nucleotide variant.
Coding change: c.2205C>G on transcript NM_000642.3 (MANE Select); coding-DNA position 2205, C replaced by G.
Protein change: p.His735Gln; replaces histidine 735 with glutamine.
Molecular consequence: missense variant.
Genome position (GRCh38, 1-based): chr1:99,881,588, C>G. VCF-style: chr1-99881588-C-G. GRCh37 (hg19) VCF-style: chr1-100347144-C-G.
Other names: c.2205C>G, p.His735Gln (NM_000028.3, NM_000643.3, NM_000644.3 and 2 more transcripts); c.2157C>G, p.His719Gln (NM_000646.3); c.2004C>G, p.His668Gln (NM_001425327.1); c.2001C>G, p.His667Gln (NM_001425328.1, NM_001425329.1); c.1827C>G, p.His609Gln (NM_001425332.1); short protein forms H667Q, H719Q, H609Q, H735Q, H668Q.
Identifiers: ClinVar variation 3715782 (VCV003715782.1).